The following is an entry in ClinVar:

ClinVar aggregate classification (germline): Uncertain significance. Review status: criteria provided, multiple submitters, no conflicts (2 of 4 stars). 3 submissions from 3 submitters: Uncertain significance (3). Last evaluated 2025-07-31.

Conditions:
Hereditary cancer-predisposing syndrome. Also called: Neoplastic Syndromes, Hereditary; Tumor predisposition; Hereditary Cancer Syndrome; Hereditary neoplastic syndrome. Identifiers: Orphanet 140162, MedGen C0027672, MeSH D009386, MONDO:0015356.
Neuroblastoma, susceptibility to, 2. Identifiers: Orphanet 635, MedGen C2751682, MONDO:0700041, OMIM 613013.
Haddad syndrome (OHD). Also called: Ondine-Hirschsprung disease. Identifiers: Orphanet 99803, MedGen C1859049, MONDO:0020493.

Allele frequency attached by ClinVar (database versions not stated): gnomAD exomes below 0.00001; TOPMed 0.00001.
gnomAD v4.1: 4 of 1,613,762 alleles (0.00025%); highest among the groups gnomAD compares: East Asian, 0.0022%; no homozygotes.

Submissions (3):

Labcorp Genetics (formerly Invitae), Labcorp
Classification: Uncertain significance for Haddad syndrome. Last evaluated: 2025-07-31. Review status: criteria provided, single submitter. Criteria: Invitae Variant Classification Sherloc (09022015). Collection method: clinical testing. Allele origin: germline.
Comment: This sequence change replaces alanine, which is neutral and non-polar, with glycine, which is neutral and non-polar, at codon 19 of the PHOX2B protein (p.Ala19Gly). This variant is present in population databases (no rsID available, gnomAD 0.003%). This missense change has been observed in individual(s) with clinical features of PHOX2B-related conditions (PMID: 33958749). ClinVar contains an entry for this variant (Variation ID: 467731). An algorithm developed to predict the effect of missense changes on protein structure and function (PolyPhen-2) suggests that this variant is likely to be disruptive. In summary, the available evidence is currently insufficient to determine the role of this variant in disease. Therefore, it has been classified as a Variant of Uncertain Significance.

Ambry Genetics
Classification: Uncertain significance for Hereditary cancer-predisposing syndrome. Last evaluated: 2025-05-19. Review status: criteria provided, single submitter. Criteria: Ambry Variant Classification Scheme 2023. Collection method: clinical testing. Allele origin: germline.
Comment: The p.A19G variant (also known as c.56C>G), located in coding exon 1 of the PHOX2B gene, results from a C to G substitution at nucleotide position 56. The alanine at codon 19 is replaced by glycine, an amino acid with similar properties. This amino acid position is highly conserved in available vertebrate species. In addition, the in silico prediction for this alteration is inconclusive. Since supporting evidence is limited at this time, the clinical significance of this alteration remains unclear.

Baylor Genetics
Classification: Uncertain significance for Neuroblastoma, susceptibility to, 2. Last evaluated: 2023-08-02. Review status: criteria provided, single submitter. Criteria: ACMG Guidelines, 2015. Collection method: clinical testing. Allele origin: unknown.

Literature cited by the submitters: PubMed 33958749 (cited by Labcorp Genetics (formerly Invitae), Labcorp).

NM_003924.4(PHOX2B):c.56C>G (p.Ala19Gly)

Genes: PHOX2B (paired like homeobox 2B; minus strand), PHOX2B-AS1 (PHOX2B antisense RNA 1; plus strand). Cytogenetic location: 4p13.
Variant type: single nucleotide variant.
Coding change: c.56C>G on transcript NM_003924.4 (MANE Select); coding-DNA position 56, C replaced by G.
Protein change: p.Ala19Gly; replaces alanine 19 with glycine.
Molecular consequence: missense variant.
Genome position (GRCh38, 1-based): chr4:41,748,555, G>C on the plus strand (C>G on the coding strand, the complement: PHOX2B is on the minus strand). VCF-style: chr4-41748555-G-C. GRCh37 (hg19) VCF-style: chr4-41750572-G-C.
Other names: short protein forms A19G.
Identifiers: ClinVar variation 467731 (VCV000467731.14), dbSNP rs1353983410, ClinGen allele CA356741227.
Genomic context (GRCh38, chr4:41,748,555, plus strand): 5'-GCCTGGCTGCAGGAACTGAAGTCAGCATAGGCTGAAGCCAGGCTCGAGGTGTCCATCCCA[G>C]CCATACAGGACTCGTAGGCAGAGGAATTGAGGTAAGAATATTCCATTTTATACATTGAAA-3'
Protein context (NP_003915.2, residues 9-29): LNSSAYESCM[Ala19Gly]GMDTSSLASA